The following is an entry in ClinVar:

NM_198271.5(LMOD3):c.1598C>T (p.Thr533Ile)

Gene: LMOD3 (leiomodin 3; minus strand). Cytogenetic location: 3p14.1.
Variant type: single nucleotide variant.
Coding change: c.1598C>T on transcript NM_198271.5 (MANE Select); coding-DNA position 1598, C replaced by T.
Protein change: p.Thr533Ile; replaces threonine 533 with isoleucine.
Molecular consequence: missense variant.
Genome position (GRCh38, 1-based): chr3:69,118,757, G>A on the plus strand (C>T on the coding strand, the complement: LMOD3 is on the minus strand). VCF-style: chr3-69118757-G-A. GRCh37 (hg19) VCF-style: chr3-69167908-G-A.
Other names: c.1598C>T, p.Thr533Ile (NM_001304418.3); short protein forms T533I.
Identifiers: ClinVar variation 1022253 (VCV001022253.5), dbSNP rs2092389118, ClinGen allele CA353469709.

ClinVar aggregate classification (germline): Uncertain significance (1 of 4 stars; one submission).

Conditions:
Nemaline myopathy 10 (NEM10). Identifiers: MedGen C4015360, MONDO:0014513, OMIM 616165.

Allele frequency attached by ClinVar (database versions not stated): gnomAD exomes below 0.00001.
gnomAD v4.1: 2 of 1,612,512 alleles (0.00012%); highest among the groups gnomAD compares: Middle Eastern, 0.017%; no homozygotes.

Submission:

Labcorp Genetics (formerly Invitae), Labcorp
Classification: Uncertain significance for Nemaline myopathy 10. Last evaluated: 2024-03-29. Review status: criteria provided, single submitter. Criteria: Invitae Variant Classification Sherloc (09022015). Collection method: clinical testing. Allele origin: germline.
Comment: This sequence change replaces threonine, which is neutral and polar, with isoleucine, which is neutral and non-polar, at codon 533 of the LMOD3 protein (p.Thr533Ile). This variant is not present in population databases (gnomAD no frequency). This variant has not been reported in the literature in individuals affected with LMOD3-related conditions. ClinVar contains an entry for this variant (Variation ID: 1022253). An algorithm developed to predict the effect of missense changes on protein structure and function (PolyPhen-2) suggests that this variant is likely to be disruptive. In summary, the available evidence is currently insufficient to determine the role of this variant in disease. Therefore, it has been classified as a Variant of Uncertain Significance.